The following is an entry in ClinVar:

NM_000551.4(VHL):c.340+692G>A

Genes: VHL (von Hippel-Lindau tumor suppressor; plus strand), LOC107303340 (3p25 von Hippel-Lindau tumor suppressor, E3 ubiquitin protein ligase Alu-mediated recombination region; plus strand). Cytogenetic location: 3p25.3.
Variant type: single nucleotide variant.
Coding change: c.340+692G>A on transcript NM_000551.4 (MANE Select); 692 bases into the intron after coding-DNA position 340, G replaced by A.
Molecular consequence: intron variant. On other transcripts: missense variant (1).
Genome position (GRCh38, 1-based): chr3:10,142,879, G>A. VCF-style: chr3-10142879-G-A. GRCh37 (hg19) VCF-style: chr3-10184563-G-A.
Other names: c.457G>A, p.Gly153Arg (NM_001354723.2); c.340+692G>A (NM_198156.3); short protein forms G153R.
Identifiers: ClinVar variation 1051307 (VCV001051307.7), dbSNP rs943884473, ClinGen allele CA70046745.

ClinVar aggregate classification (germline): Uncertain significance (1 of 4 stars; one submission).

Conditions:
Chuvash polycythemia. Also called: POLYCYTHEMIA, VHL-DEPENDENT. Identifiers: Orphanet 238557, MedGen C1837915, MONDO:0009892, OMIM 263400.
Von Hippel-Lindau syndrome (VHLS). Also called: Von Hippel-Lindau; von Hippel–Lindau syndrome; VHL syndrome. Identifiers: Orphanet 892, MedGen C0019562, MONDO:0008667, OMIM 193300. Disease mechanism: loss of function.

Submission:

Labcorp Genetics (formerly Invitae), Labcorp
Classification: Uncertain significance for Von Hippel-Lindau syndrome; Chuvash polycythemia. Last evaluated: 2025-07-21. Review status: criteria provided, single submitter. Criteria: Invitae Variant Classification Sherloc (09022015). Collection method: clinical testing. Allele origin: germline.
Comment: This sequence change falls in intron 1 of the VHL gene. It is not expected to change the encoded amino acid sequence of the VHL protein. However, this sequence change falls within a cryptic exon in the VHL gene, known as exon E1’, which is naturally expressed at low levels in several human tissues (PMID: 29891534). This variant is not present in population databases (gnomAD no frequency). This variant has not been reported in the literature in individuals affected with VHL-related conditions. ClinVar contains an entry for this variant (Variation ID: 1051307). Studies have shown that this variant is associated with inconclusive levels of altered splicing (internal data). In summary, the available evidence is currently insufficient to determine the role of this variant in disease. Therefore, it has been classified as a Variant of Uncertain Significance.

Literature cited by the submitters: PubMed 29891534.